The following is an entry in ClinVar:

NM_198834.3(ACACA):c.191A>T (p.Asp64Val)

Gene: ACACA (acetyl-CoA carboxylase alpha; minus strand). Cytogenetic location: 17q12.
Variant type: single nucleotide variant.
Coding change: c.191A>T on transcript NM_198834.3 (MANE Select); coding-DNA position 191, A replaced by T.
Protein change: p.Asp64Val; replaces aspartic acid 64 with valine.
Molecular consequence: missense variant.
Genome position (GRCh38, 1-based): chr17:37,330,320, T>A on the plus strand (A>T on the coding strand, the complement: ACACA is on the minus strand). VCF-style: chr17-37330320-T-A. GRCh37 (hg19) VCF-style: chr17-35687260-T-A.
Other names: c.80A>T, p.Asp27Val (NM_198836.3, NM_198839.3); short protein forms D64V, D27V.
Identifiers: ClinVar variation 2121872 (VCV002121872.4), dbSNP rs1173329483, ClinGen allele CA398748284.

ClinVar aggregate classification (germline): Uncertain significance (1 of 4 stars; one submission).

gnomAD v4.1: 2 of 1,614,226 alleles (0.00012%); highest among the groups gnomAD compares: Non-Finnish European, 0.00017%; no homozygotes.

Submission:

Labcorp Genetics (formerly Invitae), Labcorp
Classification: Uncertain significance. Last evaluated: 2022-08-24. Review status: criteria provided, single submitter. Criteria: Invitae Variant Classification Sherloc (09022015). Collection method: clinical testing. Allele origin: germline.
Comment: In summary, the available evidence is currently insufficient to determine the role of this variant in disease. Therefore, it has been classified as a Variant of Uncertain Significance. Algorithms developed to predict the effect of missense changes on protein structure and function are either unavailable or do not agree on the potential impact of this missense change (SIFT: "Deleterious"; PolyPhen-2: "Possibly Damaging"; Align-GVGD: "Class C0"). This variant has not been reported in the literature in individuals affected with ACACA-related conditions. This variant is not present in population databases (gnomAD no frequency). This sequence change replaces aspartic acid, which is acidic and polar, with valine, which is neutral and non-polar, at codon 27 of the ACACA protein (p.Asp27Val).